The following is an entry in ClinVar:

ClinVar aggregate classification (germline): Uncertain significance (1 of 4 stars; one submission).

Conditions:
Hypertrophic cardiomyopathy 13. Also called: TNNC1-Related Familial Hypertrophic Cardiomyopathy. Identifiers: MedGen C2750472, MONDO:0013195, OMIM 613243.
Dilated cardiomyopathy 1Z (CMD1Z). Identifiers: Orphanet 154, MedGen C2678475, MONDO:0012745, OMIM 611879.

Submission:

Labcorp Genetics (formerly Invitae), Labcorp
Classification: Uncertain significance for Hypertrophic cardiomyopathy 13; Dilated cardiomyopathy 1Z. Last evaluated: 2021-01-01. Review status: criteria provided, single submitter. Criteria: Invitae Variant Classification Sherloc (09022015). Collection method: clinical testing. Allele origin: germline.
Comment: In summary, the available evidence is currently insufficient to determine the role of this variant in disease. Therefore, it has been classified as a Variant of Uncertain Significance. This variant has not been reported in the literature in individuals with TNNC1-related conditions. The frequency data for this variant in the population databases is not available, as this variant may be reported as separate entries in the ExAC database. This sequence change creates a premature translational stop signal (p.Leu121_Gln122delinsPro*) in the TNNC1 gene. It is expected to result in an absent or disrupted protein product. However, the current clinical and genetic evidence is not sufficient to establish whether loss-of-function variants in TNNC1 cause disease.

NM_003280.3(TNNC1):c.362_364delinsCTT (p.Leu121_Gln122delinsProTer)

Gene: TNNC1 (troponin C1, slow skeletal and cardiac type; minus strand). Cytogenetic location: 3p21.1.
Variant type: Indel.
Coding change: c.362_364delinsCTT on transcript NM_003280.3 (MANE Select); coding-DNA positions 362 to 364, TGC replaced by CTT.
Protein change: p.Leu121_Gln122delinsProTer.
Molecular consequence: nonsense.
Genome position (GRCh38, 1-based): chr3:52,451,481-52,451,483, GCA replaced by AAG on the plus strand (TGC replaced by CTT on the coding strand, the reverse complement: TNNC1 is on the minus strand). VCF-style: chr3-52451481-GCA-AAG. GRCh37 (hg19) VCF-style: chr3-52485497-GCA-AAG.
Identifiers: ClinVar variation 1478081 (VCV001478081.6), dbSNP rs2153229916, ClinGen allele CA2573137353.